The following is an entry in ClinVar:

NM_001282874.2(SMARCA1):c.759A>G (p.Arg253=)

Gene: SMARCA1 (SNF2 related chromatin remodeling ATPase 1; minus strand). Cytogenetic location: Xq26.1.
Variant type: single nucleotide variant.
Coding change: c.759A>G on transcript NM_001282874.2 (MANE Select); coding-DNA position 759, A replaced by G.
Protein change: p.Arg253=; no amino-acid change (arginine 253 retained).
Molecular consequence: synonymous variant.
Genome position (GRCh38, 1-based): chrX:129,511,855, T>C on the plus strand (A>G on the coding strand, the complement: SMARCA1 is on the minus strand). VCF-style: chrX-129511855-T-C. GRCh37 (hg19) VCF-style: chrX-128645832-T-C.
Other names: c.759A>G, p.Arg253= (NM_001282875.2, NM_001378261.1, NM_001378262.1 and 3 more transcripts).
Identifiers: ClinVar variation 3899527 (VCV003899527.1).
Genomic context (GRCh38, chrX:129,511,855, plus strand): 5'-CTCACTTACTCTGGCATCCTTGTCTCCGACAAAACAAATGACACGGAGAGATGGGACCCA[T>C]CGTTTAAATTCATTCATCCAGTTGTGTAAAGTAGACTTTGGAACTAAAACCATGTGAGGT-3'
Protein context (NP_001269803.1, residues 243-263): TLHNWMNEFK[Arg253=]WVPSLRVICF

ClinVar aggregate classification (germline): Uncertain significance (1 of 4 stars; one submission).

gnomAD v4.1: 2 of 1,204,598 alleles (0.00017%); highest among the groups gnomAD compares: Non-Finnish European, 0.00022%; no homozygotes.

Submission:

GeneDx
Classification: Uncertain significance. Last evaluated: 2023-12-12. Review status: criteria provided, single submitter. Criteria: GeneDx Variant Classification Process June 2021. Collection method: clinical testing. Allele origin: germline. Affected: yes.
Comment: Not observed at significant frequency in large population cohorts (gnomAD); In silico analysis supports a deleterious effect on splicing; Has not been previously published as pathogenic or benign to our knowledge; Variants in candidate genes are classified as variants of uncertain significance in accordance with ACMG guidelines (PMID: 25741868)